The following is an entry in ClinVar:

ClinVar aggregate classification (germline): Uncertain significance (1 of 4 stars; one submission).

Conditions:
HOXB13-related disorder. Also called: HOXB13-related disorders; HOXB13-related condition.

Submission:

PreventionGenetics, part of Exact Sciences
Classification: Uncertain significance for HOXB13-related condition. Last evaluated: 2022-12-21. Review status: criteria provided, single submitter. Criteria: ACMG Guidelines, 2015. Collection method: clinical testing. Allele origin: germline.
Comment: The HOXB13 c.23C>A variant is predicted to result in the amino acid substitution p.Thr8Asn. To our knowledge, this variant has not been reported in the literature or in a large population database, indicating this variant is rare. At this time, the clinical significance of this variant is uncertain due to the absence of conclusive functional and genetic evidence.

NM_006361.6(HOXB13):c.23C>A (p.Thr8Asn)

Gene: HOXB13 (homeobox B13; minus strand). Cytogenetic location: 17q21.32.
Variant type: single nucleotide variant.
Coding change: c.23C>A on transcript NM_006361.6 (MANE Select); coding-DNA position 23, C replaced by A.
Protein change: p.Thr8Asn; replaces threonine 8 with asparagine.
Molecular consequence: missense variant.
Genome position (GRCh38, 1-based): chr17:48,728,571, G>T on the plus strand (C>A on the coding strand, the complement: HOXB13 is on the minus strand). VCF-style: chr17-48728571-G-T. GRCh37 (hg19) VCF-style: chr17-46805933-G-T.
Other names: short protein forms T8N.
Identifiers: ClinVar variation 2629997 (VCV002629997.1), dbSNP rs747307642, ClinGen allele CA400109916.